The following is an entry in ClinVar:

NM_006939.4(SOS2):c.3404G>A (p.Ser1135Asn)

Gene: SOS2 (SOS Ras/Rho guanine nucleotide exchange factor 2; minus strand). Cytogenetic location: 14q21.3.
Variant type: single nucleotide variant.
Coding change: c.3404G>A on transcript NM_006939.4 (MANE Select); coding-DNA position 3404, G replaced by A.
Protein change: p.Ser1135Asn; replaces serine 1135 with asparagine.
Molecular consequence: missense variant.
Genome position (GRCh38, 1-based): chr14:50,120,360, C>T on the plus strand (G>A on the coding strand, the complement: SOS2 is on the minus strand). VCF-style: chr14-50120360-C-T. GRCh37 (hg19) VCF-style: chr14-50587078-C-T.
Other names: c.3305G>A, p.Ser1102Asn (NM_001411020.1); short protein forms S1102N, S1135N.
Identifiers: ClinVar variation 3959875 (VCV003959875.1).

ClinVar aggregate classification (germline): Uncertain significance (1 of 4 stars; one submission).

Conditions:
Cardiovascular phenotype. Identifiers: MedGen CN230736.

gnomAD v4.1: 1 of 1,593,204 alleles (0.000063%); highest among the groups gnomAD compares: Non-Finnish European, 0.000086%; no homozygotes.

Submission:

Ambry Genetics
Classification: Uncertain significance for Cardiovascular phenotype. Last evaluated: 2025-06-10. Review status: criteria provided, single submitter. Criteria: Ambry Variant Classification Scheme 2023. Collection method: clinical testing. Allele origin: germline.
Comment: The p.S1135N variant (also known as c.3404G>A), located in coding exon 22 of the SOS2 gene, results from a G to A substitution at nucleotide position 3404. The serine at codon 1135 is replaced by asparagine, an amino acid with highly similar properties. This amino acid position is conserved. In addition, this alteration is predicted to be tolerated by in silico analysis. Based on the available evidence, the clinical significance of this variant remains unclear.